The following is an entry in ClinVar:

NM_003105.6(SORL1):c.112G>A (p.Gly38Ser)

Genes: SORL1 (sortilin related receptor 1; plus strand), SORL1-AS1 (SORL1 antisense RNA 1; minus strand). Cytogenetic location: 11q24.1.
Variant type: single nucleotide variant.
Coding change: c.112G>A on transcript NM_003105.6 (MANE Select); coding-DNA position 112, G replaced by A.
Protein change: p.Gly38Ser; replaces glycine 38 with serine.
Molecular consequence: missense variant.
Genome position (GRCh38, 1-based): chr11:121,452,443, G>A. VCF-style: chr11-121452443-G-A. GRCh37 (hg19) VCF-style: chr11-121323152-G-A.
Other names: short protein forms G38S.
Identifiers: ClinVar variation 1937505 (VCV001937505.5), dbSNP rs748784949, ClinGen allele CA6328282.

ClinVar aggregate classification (germline): Uncertain significance (1 of 4 stars; one submission).

Allele frequency attached by ClinVar (database versions not stated): TOPMed below 0.00001.
gnomAD v4.1: 1 of 1,498,988 alleles (0.000067%); highest among the groups gnomAD compares: Admixed American, 0.0022%; no homozygotes.

Submission:

Labcorp Genetics (formerly Invitae), Labcorp
Classification: Uncertain significance. Last evaluated: 2025-12-23. Review status: criteria provided, single submitter. Criteria: Invitae Variant Classification Sherloc (09022015). Collection method: clinical testing. Allele origin: germline.
Comment: This sequence change replaces glycine, which is neutral and non-polar, with serine, which is neutral and polar, at codon 38 of the SORL1 protein (p.Gly38Ser). This variant is not present in population databases (gnomAD no frequency). This variant has not been reported in the literature in individuals affected with SORL1-related conditions. ClinVar contains an entry for this variant (Variation ID: 1937505). An algorithm developed to predict the effect of missense changes on protein structure and function (PolyPhen-2) suggests that this variant is likely to be tolerated. In summary, the available evidence is currently insufficient to determine the role of this variant in disease. Therefore, it has been classified as a Variant of Uncertain Significance.